The following is an entry in ClinVar:

ClinVar aggregate classification (germline): Likely benign (1 of 4 stars; one submission).

Conditions:
SCP2-related disorder. Also called: SCP2-related condition.

Submission:

PreventionGenetics, part of Exact Sciences
Classification: Likely benign for SCP2-related condition. Last evaluated: 2025-03-31. Review status: criteria provided, single submitter. Criteria: ACMG Guidelines, 2015. Collection method: clinical testing. Allele origin: germline.
Comment: This variant is classified as likely benign based on ACMG/AMP sequence variant interpretation guidelines (Richards et al. 2015 PMID: 25741868, with internal and published modifications).

NM_002979.5(SCP2):c.387T>C (p.Leu129=)

Gene: SCP2 (sterol carrier protein 2; plus strand). Cytogenetic location: 1p32.3.
Variant type: single nucleotide variant.
Coding change: c.387T>C on transcript NM_002979.5 (MANE Select); coding-DNA position 387, T replaced by C.
Protein change: p.Leu129=; no amino-acid change (leucine 129 retained).
Molecular consequence: synonymous variant.
Genome position (GRCh38, 1-based): chr1:52,954,795, T>C. VCF-style: chr1-52954795-T-C. GRCh37 (hg19) VCF-style: chr1-53420467-T-C.
Other names: c.255T>C, p.Leu85= (NM_001007098.3, NM_001193600.2); c.315T>C, p.Leu105= (NM_001193599.2); c.144T>C, p.Leu48= (NM_001193617.2); c.387T>C, p.Leu129= (NM_001330587.2).
Identifiers: ClinVar variation 4999523 (VCV004999523.1).